The following is an entry in ClinVar:

NM_000059.4(BRCA2):c.4304dup (p.Asn1435fs)

Gene: BRCA2 (BRCA2 DNA repair associated; plus strand). Cytogenetic location: 13q13.1.
Variant type: Duplication.
Coding change: c.4304dup on transcript NM_000059.4 (MANE Select); coding-DNA position 4304, one base duplicated (A; older notation c.4304dupA).
Protein change: p.Asn1435fs; shifts the reading frame from asparagine 1435.
Molecular consequence: frameshift variant. On other transcripts: non-coding transcript variant (1), intron variant (2).
Genome position (GRCh38, 1-based): chr13:32,338,659, A duplicated; the last of 5 consecutive A bases (chr13:32,338,655-32,338,659); duplicating any one gives the same sequence. VCF-style (leftmost placement, unchanged base first): chr13-32338654-G-GA. GRCh37 (hg19) VCF-style: chr13-32912791-G-GA.
Other names: c.4304dup, p.Asn1435fs (NM_001406720.1, NM_001406719.1); c.1909+5272dup (NM_001406721.1); c.425-5899dup (NM_001406722.1); short protein forms N1435fs.
Identifiers: ClinVar variation 2756053 (VCV002756053.4), dbSNP rs886040520, ClinGen allele CA2697551733.

ClinVar aggregate classification (germline): Pathogenic/Likely pathogenic. Review status: criteria provided, multiple submitters, no conflicts (2 of 4 stars). 2 submissions from 2 submitters: Pathogenic (1); Likely pathogenic (1). Last evaluated 2025-07-08.

Conditions:
Hereditary breast ovarian cancer syndrome. Also called: Hereditary breast and ovarian cancer; Hereditary breast and ovarian cancer syndrome; Breast and ovarian cancer; BRCA1- and BRCA2-Associated Hereditary Breast and Ovarian Cancer; Hereditary breast and ovarian cancer syndrome (HBOC); Hereditary breast and/or ovarian cancer syndrome. Identifiers: Orphanet 145, MedGen C0677776, MeSH D061325, MONDO:0003582. Disease mechanism: loss of function.

Submissions (2):

Quest Diagnostics Nichols Institute San Juan Capistrano
Classification: Likely pathogenic. Last evaluated: 2025-07-08. Review status: criteria provided, single submitter. Criteria: Quest Diagnostics criteria. Collection method: clinical testing. Allele origin: unknown.
Comment: The BRCA2 c.4304dup (p.Asn1435Lysfs*3) variant alters the translational reading frame of the BRCA2 mRNA and is predicted to cause the premature termination of BRCA2 protein synthesis. This variant has not been reported in individuals with BRCA2-related conditions in the published literature. This variant has not been reported in large, multi-ethnic general populations (Genome Aggregation Database). Based on the available information, this variant is classified as likely pathogenic.

Labcorp Genetics (formerly Invitae), Labcorp
Classification: Pathogenic for Hereditary breast ovarian cancer syndrome. Last evaluated: 2023-11-08. Review status: criteria provided, single submitter. Criteria: Invitae Variant Classification Sherloc (09022015). Collection method: clinical testing. Allele origin: germline.
Comment: This sequence change creates a premature translational stop signal (p.Asn1435Lysfs*3) in the BRCA2 gene. It is expected to result in an absent or disrupted protein product. Loss-of-function variants in BRCA2 are known to be pathogenic (PMID: 20104584). This variant is not present in population databases (gnomAD no frequency). This variant has not been reported in the literature in individuals affected with BRCA2-related conditions. For these reasons, this variant has been classified as Pathogenic.

Literature cited by the submitters: PubMed 20104584 (cited by Labcorp Genetics (formerly Invitae), Labcorp).